The following is an entry in ClinVar:

ClinVar aggregate classification (germline): Uncertain significance. Review status: criteria provided, multiple submitters, no conflicts (2 of 4 stars). 2 submissions from 2 submitters: Uncertain significance (2). Last evaluated 2025-07-24.

Conditions:
Inborn genetic diseases. Identifiers: MedGen C0950123, MeSH D030342.

Allele frequency attached by ClinVar (database versions not stated): ExAC 0.00002; TOPMed 0.00005; ESP Exome Variant Server 0.00008; gnomAD 0.00009; 1000 Genomes Project 30x 0.00031; 1000 Genomes Project 0.00040.
gnomAD v4.1: 18 of 1,614,136 alleles (0.0011%); highest among the groups gnomAD compares: African/African-American, 0.02%; no homozygotes.

Submissions (2):

Labcorp Genetics (formerly Invitae), Labcorp
Classification: Uncertain significance. Last evaluated: 2025-07-24. Review status: criteria provided, single submitter. Criteria: Invitae Variant Classification Sherloc (09022015). Collection method: clinical testing. Allele origin: germline.
Comment: This sequence change replaces proline, which is neutral and non-polar, with leucine, which is neutral and non-polar, at codon 322 of the DUOX2 protein (p.Pro322Leu). This variant is present in population databases (rs148754510, gnomAD 0.02%). This variant has not been reported in the literature in individuals affected with DUOX2-related conditions. ClinVar contains an entry for this variant (Variation ID: 1980879). Invitae Evidence Modeling of protein sequence and biophysical properties (such as structural, functional, and spatial information, amino acid conservation, physicochemical variation, residue mobility, and thermodynamic stability) has been performed for this missense variant. However, the output from this modeling did not meet the statistical confidence thresholds required to predict the impact of this variant on DUOX2 protein function. In summary, the available evidence is currently insufficient to determine the role of this variant in disease. Therefore, it has been classified as a Variant of Uncertain Significance.

Ambry Genetics
Classification: Uncertain significance for Inborn genetic diseases. Last evaluated: 2024-12-14. Review status: criteria provided, single submitter. Criteria: Ambry Variant Classification Scheme 2023. Collection method: clinical testing. Allele origin: germline.

NM_001363711.2(DUOX2):c.965C>T (p.Pro322Leu)

Gene: DUOX2 (dual oxidase 2; minus strand). Cytogenetic location: 15q21.1.
Variant type: single nucleotide variant.
Coding change: c.965C>T on transcript NM_001363711.2 (MANE Select); coding-DNA position 965, C replaced by T.
Protein change: p.Pro322Leu; replaces proline 322 with leucine.
Molecular consequence: missense variant.
Genome position (GRCh38, 1-based): chr15:45,110,503, G>A on the plus strand (C>T on the coding strand, the complement: DUOX2 is on the minus strand). VCF-style: chr15-45110503-G-A. GRCh37 (hg19) VCF-style: chr15-45402701-G-A.
Other names: c.965C>T, p.Pro322Leu (NM_014080.5); c.965C>T (NM_014080.4); short protein forms P322L.
Identifiers: ClinVar variation 1980879 (VCV001980879.4), dbSNP rs148754510, ClinGen allele CA7538797.